The following is an entry in ClinVar:

NM_000038.6(APC):c.1223A>G (p.His408Arg)

Gene: APC (APC regulator of Wnt signaling pathway; plus strand). Cytogenetic location: 5q22.2.
Variant type: single nucleotide variant.
Coding change: c.1223A>G on transcript NM_000038.6 (MANE Select); coding-DNA position 1223, A replaced by G.
Protein change: p.His408Arg; replaces histidine 408 with arginine.
Molecular consequence: missense variant. On other transcripts: intron variant (4).
Genome position (GRCh38, 1-based): chr5:112,819,255, A>G. VCF-style: chr5-112819255-A-G. GRCh37 (hg19) VCF-style: chr5-112154952-A-G.
Other names: c.1223A>G (NM_000038.5); c.1223A>G, p.His408Arg (NM_001127510.3, NM_001354895.2, NM_001354896.2 and 4 more transcripts); c.1169A>G, p.His390Arg (NM_001127511.3); c.1253A>G, p.His418Arg (NM_001354897.2, NM_001407446.1); c.1148A>G, p.His383Arg (NM_001354898.2, NM_001407451.1); c.1139A>G, p.His380Arg (NM_001354899.2, NM_001407452.1); c.1046A>G, p.His349Arg (NM_001354900.2, NM_001354901.2, NM_001407453.1); c.374A>G, p.His125Arg (NM_001354906.2, NM_001407470.1); and 4 more; short protein forms H125R, H390R, H418R, H349R, H408R, H380R, H383R.
Identifiers: ClinVar variation 2067199 (VCV002067199.5), dbSNP rs890378836, ClinGen allele CA16023978.
Genomic context (GRCh38, chr5:112,819,255, plus strand): 5'-ACAACATCATTCACTCACAGCCTGATGACAAGAGAGGCAGGCGTGAAATCCGAGTCCTTC[A>G]TCTTTTGGAACAGATACGCGCTTACTGTGAAACCTGTTGGGAGTGGCAGGAAGCTCATGA-3'
Protein context (NP_000029.2, residues 398-418): KRGRREIRVL[His408Arg]LLEQIRAYCE

ClinVar aggregate classification (germline): Uncertain significance. Review status: criteria provided, multiple submitters, no conflicts (2 of 4 stars). 2 submissions from 2 submitters: Uncertain significance (2). Last evaluated 2025-03-05.

Conditions:
Hereditary cancer-predisposing syndrome. Also called: Neoplastic Syndromes, Hereditary; Hereditary Cancer Syndrome; Tumor predisposition; Hereditary neoplastic syndrome. Identifiers: Orphanet 140162, MedGen C0027672, MeSH D009386, MONDO:0015356.
Familial adenomatous polyposis 1 (FAP1). Also called: FAMILIAL ADENOMATOUS POLYPOSIS 1, ATTENUATED; POLYPOSIS, ADENOMATOUS INTESTINAL. Identifiers: MedGen C2713442, MONDO:0021056, OMIM 175100. Disease mechanism: loss of function.

Allele frequency attached by ClinVar (database versions not stated): gnomAD exomes below 0.00001; TOPMed below 0.00001.
gnomAD v4.1: 3 of 1,614,036 alleles (0.00019%); highest among the groups gnomAD compares: African/African-American, 0.0013%; no homozygotes.

Submissions (2):

Ambry Genetics
Classification: Uncertain significance for Hereditary cancer-predisposing syndrome. Last evaluated: 2025-03-05. Review status: criteria provided, single submitter. Criteria: Ambry Variant Classification Scheme 2023. Collection method: clinical testing. Allele origin: germline.
Comment: The p.H408R variant (also known as c.1223A>G), located in coding exon 9 of the APC gene, results from an A to G substitution at nucleotide position 1223. The histidine at codon 408 is replaced by arginine, an amino acid with highly similar properties. This variant has been reported in an individual diagnosed with colorectal cancer (Yurgelun MB et al. J Clin Oncol, 2017 Apr;35:1086-1095). This amino acid position is highly conserved in available vertebrate species. In addition, in silico predictors for this gene do not accurately predict pathogenicity. Missense alterations in APC are not a common cause of disease (Spier I et al. Genet Med. 2024 Feb;26(2):100992). Based on the available evidence, the clinical significance of this variant remains unclear.

Labcorp Genetics (formerly Invitae), Labcorp
Classification: Uncertain significance for Familial adenomatous polyposis 1. Last evaluated: 2022-11-05. Review status: criteria provided, single submitter. Criteria: Invitae Variant Classification Sherloc (09022015). Collection method: clinical testing. Allele origin: germline.
Comment: This missense change has been observed in individual(s) with colorectal cancer (PMID: 28135145). This sequence change replaces histidine, which is basic and polar, with arginine, which is basic and polar, at codon 408 of the APC protein (p.His408Arg). This variant is not present in population databases (gnomAD no frequency). Advanced modeling of protein sequence and biophysical properties (such as structural, functional, and spatial information, amino acid conservation, physicochemical variation, residue mobility, and thermodynamic stability) performed at Invitae indicates that this missense variant is not expected to disrupt APC protein function. In summary, the available evidence is currently insufficient to determine the role of this variant in disease. Therefore, it has been classified as a Variant of Uncertain Significance.

Literature cited by the submitters: PubMed 28135145 (cited by Ambry Genetics and Labcorp Genetics (formerly Invitae), Labcorp).